The following is an entry in ClinVar:

NM_001374736.1(DST):c.1706T>C (p.Ile569Thr)

Gene: DST (dystonin; minus strand). Cytogenetic location: 6p12.1.
Variant type: single nucleotide variant.
Coding change: c.1706T>C on transcript NM_001374736.1 (MANE Select); coding-DNA position 1706, T replaced by C.
Protein change: p.Ile569Thr; replaces isoleucine 569 with threonine.
Molecular consequence: missense variant.
Genome position (GRCh38, 1-based): chr6:56,645,938, A>G on the plus strand (T>C on the coding strand, the complement: DST is on the minus strand). VCF-style: chr6-56645938-A-G. GRCh37 (hg19) VCF-style: chr6-56510736-A-G.
Other names: c.1607T>C, p.Ile536Thr (NM_001144769.5); c.1193T>C, p.Ile398Thr (NM_001144770.2); c.1706T>C, p.Ile569Thr (NM_001374722.1); c.1073T>C, p.Ile358Thr (NM_001374729.1, NM_001374730.1, NM_001386100.1 and 1 more transcripts); c.1733T>C, p.Ile578Thr (NM_001374734.1); short protein forms I358T, I398T, I536T, I578T, I569T.
Identifiers: ClinVar variation 4977430 (VCV004977430.1).
Genomic context (GRCh38, chr6:56,645,938, plus strand): 5'-GGACGAAGGGCCTTCTCTCTCTCTAGCATGGCAATAATGAGTTTCCCCCACTCTTTTTCT[A>G]TGTCATTTGGATGATAACCTTGAAGGAGCTTGATGCGTCCAAATTCTATCCAAATCTTGA-3'
Protein context (NP_001361665.1, residues 559-579): KLLQGYHPND[Ile569Thr]EKEWGKLIIA

ClinVar aggregate classification (germline): Uncertain significance (1 of 4 stars; one submission).

Conditions:
DST-related disorder. Also called: DST-related condition; DST-related disorders.

gnomAD v4.1: 28 of 1,613,784 alleles (0.0017%); highest among the groups gnomAD compares: African/African-American, 0.023%; no homozygotes.

Submission:

PreventionGenetics, part of Exact Sciences
Classification: Uncertain significance for DST-related condition. Last evaluated: 2026-02-12. Review status: criteria provided, single submitter. Criteria: ACMG Guidelines, 2015. Collection method: clinical testing. Allele origin: germline.
Comment: The DST c.1607T>C variant is predicted to result in the amino acid substitution p.Ile536Thr. To our knowledge, this variant has not been reported in the literature. This variant is reported in 0.029% of alleles in individuals of African descent in gnomAD. At this time, the clinical significance of this variant is uncertain due to the absence of conclusive functional and genetic evidence.